The following is an entry in ClinVar:

ClinVar aggregate classification (germline): Uncertain significance (0 of 4 stars; one submission).

Allele frequency attached by ClinVar (database versions not stated): ExAC 0.00001; gnomAD 0.00003; gnomAD exomes 0.00003; TOPMed 0.00003.
gnomAD v4.1: 21 of 1,613,924 alleles (0.0013%); highest among the groups gnomAD compares: Admixed American, 0.012%; no homozygotes.

Submission:

Department of Pathology and Laboratory Medicine, Sinai Health System
Classification: Uncertain significance. Review status: no assertion criteria provided. Collection method: clinical testing. Allele origin: unknown. Affected: yes. Study: The Canadian Open Genetics Repository (COGR).
Comment: The TTN p.Arg3363Cys variant was not identified in the literature nor was it identified in ClinVar or LOVD 3.0. The variant was identified in dbSNP (ID: rs764030230) and in control databases in 8 of 282684 chromosomes at a frequency of 0.0000283 (Genome Aggregation Database March 6, 2019, v2.1.1). The variant was observed in the following populations: Latino in 5 of 35434 chromosomes (freq: 0.000141) and European (non-Finnish) in 3 of 129040 chromosomes (freq: 0.000023), but was not observed in the African, Ashkenazi Jewish, East Asian, European (Finnish), Other, or South Asian populations. The p.Arg3363 residue is conserved in mammals and computational analyses (PolyPhen-2, SIFT, AlignGVGD, BLOSUM, MutationTaster) suggest that the variant may impact the protein; however, this information is not predictive enough to assume pathogenicity. The variant occurs outside of the splicing consensus sequence and in silico or computational prediction software programs (SpliceSiteFinder, MaxEntScan, NNSPLICE, GeneSplicer) do not predict a difference in splicing. In summary, based on the above information the clinical significance of this variant cannot be determined with certainty at this time. This variant is classified as a variant of uncertain significance.

NM_001267550.2(TTN):c.10087C>T (p.Arg3363Cys)

Gene: TTN (titin; minus strand). Cytogenetic location: 2q31.2.
Variant type: single nucleotide variant.
Coding change: c.10087C>T on transcript NM_001267550.2 (MANE Select); coding-DNA position 10087, C replaced by T.
Protein change: p.Arg3363Cys; replaces arginine 3363 with cysteine.
Molecular consequence: missense variant.
Genome position (GRCh38, 1-based): chr2:178,764,204, G>A on the plus strand (C>T on the coding strand, the complement: TTN is on the minus strand). VCF-style: chr2-178764204-G-A. GRCh37 (hg19) VCF-style: chr2-179628931-G-A.
Other names: c.10087C>T, p.Arg3363Cys (NM_001256850.1, NM_133378.4, NM_133379.5); c.9949C>T, p.Arg3317Cys (NM_003319.4, NM_133432.3, NM_133437.4); short protein forms R3317C, R3363C.
Identifiers: ClinVar variation 1048846 (VCV001048846.1), dbSNP rs764030230, ClinGen allele CA2004191.